The following is an entry in ClinVar:

ClinVar aggregate classification (germline): Conflicting classifications of pathogenicity. Review status: criteria provided, conflicting classifications (1 of 4 stars). 2 submissions from 2 submitters: Uncertain significance (1); Likely benign (1). Last evaluated 2025-07-31.

Conditions:
Primary ciliary dyskinesia. Also called: Ciliary dyskinesia. Identifiers: Orphanet 244, MedGen C0008780, MONDO:0016575, HP:0012265.

Allele frequency attached by ClinVar (database versions not stated): gnomAD exomes below 0.00001; gnomAD 0.00001; TOPMed 0.00001.
gnomAD v4.1: 5 of 1,607,918 alleles (0.00031%); highest among the groups gnomAD compares: East Asian, 0.0022%; no homozygotes.

Submissions (2):

Labcorp Genetics (formerly Invitae), Labcorp
Classification: Uncertain significance for Primary ciliary dyskinesia. Last evaluated: 2025-07-31. Review status: criteria provided, single submitter. Criteria: Invitae Variant Classification Sherloc (09022015). Collection method: clinical testing. Allele origin: germline.
Comment: This sequence change replaces isoleucine, which is neutral and non-polar, with valine, which is neutral and non-polar, at codon 1035 of the DNAH8 protein (p.Ile1035Val). This variant is present in population databases (no rsID available, gnomAD 0.006%). This variant has not been reported in the literature in individuals affected with DNAH8-related conditions. ClinVar contains an entry for this variant (Variation ID: 2525460). An algorithm developed to predict the effect of missense changes on protein structure and function outputs the following: PolyPhen-2: "Not Available". The valine amino acid residue is found in multiple mammalian species, which suggests that this missense change does not adversely affect protein function. In summary, the available evidence is currently insufficient to determine the role of this variant in disease. Therefore, it has been classified as a Variant of Uncertain Significance.

Ambry Genetics
Classification: Likely benign. Last evaluated: 2023-05-05. Review status: criteria provided, single submitter. Criteria: Ambry Variant Classification Scheme 2023. Collection method: clinical testing. Allele origin: germline.

NM_001206927.2(DNAH8):c.3103A>G (p.Ile1035Val)

Gene: DNAH8 (dynein axonemal heavy chain 8; plus strand). Cytogenetic location: 6p21.2.
Variant type: single nucleotide variant.
Coding change: c.3103A>G on transcript NM_001206927.2 (MANE Select); coding-DNA position 3103, A replaced by G.
Protein change: p.Ile1035Val; replaces isoleucine 1035 with valine.
Molecular consequence: missense variant.
Genome position (GRCh38, 1-based): chr6:38,805,549, A>G. VCF-style: chr6-38805549-A-G. GRCh37 (hg19) VCF-style: chr6-38773325-A-G.
Other names: c.2452A>G, p.Ile818Val (NM_001371.4); short protein forms I818V, I1035V.
Identifiers: ClinVar variation 2525460 (VCV002525460.4), dbSNP rs1480696575, ClinGen allele CA363995488.